The following is an entry in ClinVar:

NM_012414.4(RAB3GAP2):c.2051C>A (p.Ala684Glu)

Gene: RAB3GAP2 (RAB3 GTPase activating non-catalytic protein subunit 2; minus strand). Cytogenetic location: 1q41.
Variant type: single nucleotide variant.
Coding change: c.2051C>A on transcript NM_012414.4 (MANE Select); coding-DNA position 2051, C replaced by A.
Protein change: p.Ala684Glu; replaces alanine 684 with glutamic acid.
Molecular consequence: missense variant.
Genome position (GRCh38, 1-based): chr1:220,182,879, G>T on the plus strand (C>A on the coding strand, the complement: RAB3GAP2 is on the minus strand). VCF-style: chr1-220182879-G-T. GRCh37 (hg19) VCF-style: chr1-220356221-G-T.
Other names: c.2051C>A (NM_012414.3); short protein forms A684E.
Identifiers: ClinVar variation 1350224 (VCV001350224.9), dbSNP rs746414664, ClinGen allele CA1402518.
Genomic context (GRCh38, chr1:220,182,879, plus strand): 5'-TTATCATCAGAAAATCGAACATTTGTCCTGGTGTTCTCTTGCTTATATTTCTCTAGTAAT[G>T]CCTGGAGCTTAAGCAGTTCTTTTTCATCAAGCCTTAGTAACAGAGCCAAGTCCTTTAAAA-3'
Protein context (NP_036546.2, residues 674-694): LDEKELLKLQ[Ala684Glu]LLEKYKQENT

ClinVar aggregate classification (germline): Uncertain significance. Review status: criteria provided, multiple submitters, no conflicts (2 of 4 stars). 2 submissions from 2 submitters: Uncertain significance (2). Last evaluated 2024-04-06.

Conditions:
Warburg micro syndrome 2 (WARBM2). Also called: MICRO SYNDROME 2. Identifiers: Orphanet 2510, MedGen C3280214, MONDO:0013641, OMIM 614225.
Martsolf syndrome (MARTS). Also called: Congenital cataract with intellectual disability and hypogonadotropic hypogonadism syndrome. Identifiers: Orphanet 1387, MedGen C0796037, MONDO:0023910.
Inborn genetic diseases. Identifiers: MedGen C0950123, MeSH D030342.

Allele frequency attached by ClinVar (database versions not stated): gnomAD exomes below 0.00001 and 0.00001; ExAC 0.00001; gnomAD 0.00001; TOPMed 0.00001.
gnomAD v4.1: 5 of 1,613,334 alleles (0.00031%); highest among the groups gnomAD compares: East Asian, 0.0045%; no homozygotes.

Submissions (2):

Ambry Genetics
Classification: Uncertain significance for Inborn genetic diseases. Last evaluated: 2024-04-06. Review status: criteria provided, single submitter. Criteria: Ambry Variant Classification Scheme 2023. Collection method: clinical testing. Allele origin: germline.

Labcorp Genetics (formerly Invitae), Labcorp
Classification: Uncertain significance for Martsolf syndrome; Warburg micro syndrome 2. Last evaluated: 2022-08-09. Review status: criteria provided, single submitter. Criteria: Invitae Variant Classification Sherloc (09022015). Collection method: clinical testing. Allele origin: germline.
Comment: In summary, the available evidence is currently insufficient to determine the role of this variant in disease. Therefore, it has been classified as a Variant of Uncertain Significance. Algorithms developed to predict the effect of missense changes on protein structure and function (SIFT, PolyPhen-2, Align-GVGD) all suggest that this variant is likely to be tolerated. ClinVar contains an entry for this variant (Variation ID: 1350224). This variant has not been reported in the literature in individuals affected with RAB3GAP2-related conditions. This variant is present in population databases (rs746414664, gnomAD 0.02%). This sequence change replaces alanine, which is neutral and non-polar, with glutamic acid, which is acidic and polar, at codon 684 of the RAB3GAP2 protein (p.Ala684Glu).